The following is an entry in ClinVar:

ClinVar aggregate classification (germline): Pathogenic (1 of 4 stars; one submission).

Allele frequency attached by ClinVar (database versions not stated): gnomAD exomes below 0.00001.

Submission:

Labcorp Genetics (formerly Invitae), Labcorp
Classification: Pathogenic. Last evaluated: 2022-12-21. Review status: criteria provided, single submitter. Criteria: Invitae Variant Classification Sherloc (09022015). Collection method: clinical testing. Allele origin: germline.
Comment: For these reasons, this variant has been classified as Pathogenic. This sequence change creates a premature translational stop signal (p.Trp140*) in the HPS6 gene. While this is not anticipated to result in nonsense mediated decay, it is expected to disrupt the last 636 amino acid(s) of the HPS6 protein. This variant is not present in population databases (gnomAD no frequency). This variant has not been reported in the literature in individuals affected with HPS6-related conditions. This variant disrupts a region of the HPS6 protein in which other variant(s) (p.Arg667*) have been determined to be pathogenic (PMID: 33878481; Invitae). This suggests that this is a clinically significant region of the protein, and that variants that disrupt it are likely to be disease-causing.

Literature cited by the submitters: PubMed 33878481.

NM_024747.6(HPS6):c.419G>A (p.Trp140Ter)

Gene: HPS6 (HPS6 biogenesis of lysosomal organelles complex 2 subunit 3; plus strand). Cytogenetic location: 10q24.32.
Variant type: single nucleotide variant.
Coding change: c.419G>A on transcript NM_024747.6 (MANE Select); coding-DNA position 419, G replaced by A.
Protein change: p.Trp140Ter; replaces tryptophan 140 with a stop codon.
Molecular consequence: nonsense.
Genome position (GRCh38, 1-based): chr10:102,065,893, G>A. VCF-style: chr10-102065893-G-A. GRCh37 (hg19) VCF-style: chr10-103825650-G-A.
Other names: short protein forms W140*.
Identifiers: ClinVar variation 2881590 (VCV002881590.3), dbSNP rs2540986624, ClinGen allele CA377857052.